The following is an entry in ClinVar:

ClinVar aggregate classification (germline): Uncertain significance (1 of 4 stars; one submission).

Allele frequency attached by ClinVar (database versions not stated): gnomAD exomes below 0.00001.
gnomAD v4.1: 1 of 1,177,599 alleles (0.000085%); highest among the groups gnomAD compares: Non-Finnish European, 0.00012%; no homozygotes.

Submission:

Labcorp Genetics (formerly Invitae), Labcorp
Classification: Uncertain significance. Last evaluated: 2022-10-13. Review status: criteria provided, single submitter. Criteria: Invitae Variant Classification Sherloc (09022015). Collection method: clinical testing. Allele origin: germline.
Comment: This sequence change replaces threonine, which is neutral and polar, with isoleucine, which is neutral and non-polar, at codon 216 of the GPR143 protein (p.Thr216Ile). This variant is not present in population databases (gnomAD no frequency). This variant has not been reported in the literature in individuals affected with GPR143-related conditions. Advanced modeling of protein sequence and biophysical properties (such as structural, functional, and spatial information, amino acid conservation, physicochemical variation, residue mobility, and thermodynamic stability) performed at Invitae indicates that this missense variant is expected to disrupt GPR143 protein function. In summary, the available evidence is currently insufficient to determine the role of this variant in disease. Therefore, it has been classified as a Variant of Uncertain Significance.

NM_000273.3(GPR143):c.647C>T (p.Thr216Ile)

Gene: GPR143 (G protein-coupled receptor 143; minus strand). Cytogenetic location: Xp22.2.
Variant type: single nucleotide variant.
Coding change: c.647C>T on transcript NM_000273.3 (MANE Select); coding-DNA position 647, C replaced by T.
Protein change: p.Thr216Ile; replaces threonine 216 with isoleucine.
Molecular consequence: missense variant.
Genome position (GRCh38, 1-based): chrX:9,746,055, G>A on the plus strand (C>T on the coding strand, the complement: GPR143 is on the minus strand). VCF-style: chrX-9746055-G-A. GRCh37 (hg19) VCF-style: chrX-9714095-G-A.
Other names: short protein forms T216I.
Identifiers: ClinVar variation 1967878 (VCV001967878.5), dbSNP rs2518628435, ClinGen allele CA411997196.